The following is an entry in ClinVar:

NM_015466.4(PTPN23):c.1288G>A (p.Val430Ile)

Gene: PTPN23 (protein tyrosine phosphatase non-receptor type 23; plus strand). Cytogenetic location: 3p21.31.
Variant type: single nucleotide variant.
Coding change: c.1288G>A on transcript NM_015466.4 (MANE Select); coding-DNA position 1288, G replaced by A.
Protein change: p.Val430Ile; replaces valine 430 with isoleucine.
Molecular consequence: missense variant.
Genome position (GRCh38, 1-based): chr3:47,408,448, G>A. VCF-style: chr3-47408448-G-A. GRCh37 (hg19) VCF-style: chr3-47449938-G-A.
Other names: c.910G>A, p.Val304Ile (NM_001304482.2); short protein forms V304I, V430I.
Identifiers: ClinVar variation 3940553 (VCV003940553.2).

ClinVar aggregate classification (germline): Uncertain significance. Review status: criteria provided, multiple submitters, no conflicts (2 of 4 stars). 2 submissions from 2 submitters: Uncertain significance (2). Last evaluated 2025-06-28.

Conditions:
Inborn genetic diseases. Identifiers: MedGen C0950123, MeSH D030342.

gnomAD v4.1: 10 of 1,614,138 alleles (0.00062%); highest among the groups gnomAD compares: South Asian, 0.0011%; no homozygotes.

Submissions (2):

GeneDx
Classification: Uncertain significance. Last evaluated: 2025-06-28. Review status: criteria provided, single submitter. Criteria: GeneDx Variant Classification Process June 2021. Collection method: clinical testing. Allele origin: germline. Affected: yes.
Comment: Has not been previously published as pathogenic or benign to our knowledge; In silico analysis suggests that this missense variant does not alter protein structure/function

Ambry Genetics
Classification: Uncertain significance for Inborn genetic diseases. Last evaluated: 2025-04-03. Review status: criteria provided, single submitter. Criteria: Ambry Variant Classification Scheme 2023. Collection method: clinical testing. Allele origin: germline.